The following is an entry in ClinVar:

NM_025099.6(CTC1):c.2045A>G (p.Gln682Arg)

Gene: CTC1 (CST telomere replication complex component 1; minus strand). Cytogenetic location: 17p13.1.
Variant type: single nucleotide variant.
Coding change: c.2045A>G on transcript NM_025099.6 (MANE Select); coding-DNA position 2045, A replaced by G.
Protein change: p.Gln682Arg; replaces glutamine 682 with arginine.
Molecular consequence: missense variant. On other transcripts: non-coding transcript variant (1).
Genome position (GRCh38, 1-based): chr17:8,232,376, T>C on the plus strand (A>G on the coding strand, the complement: CTC1 is on the minus strand). VCF-style: chr17-8232376-T-C. GRCh37 (hg19) VCF-style: chr17-8135694-T-C.
Other names: c.2045A>G, p.Gln682Arg (NM_001411067.1); short protein forms Q682R.
Identifiers: ClinVar variation 2101587 (VCV002101587.1), dbSNP rs1987320120, ClinGen allele CA397979436.
Genomic context (GRCh38, chr17:8,232,376, plus strand): 5'-TCCTTCCCCCCAGACTCAAGACAACCATGACCCCAAGGAGCCAACCTGGCCTGCTGCTTC[T>C]GGATGAAGCCTGGCATGCTCAGCTCCTTCCAGGAAGGGAAGCTGCTTCTCACGTCCCTCT-3'
Protein context (NP_079375.3, residues 672-692): WKELSMPGFI[Gln682Arg]KQQARVYVQF

ClinVar aggregate classification (germline): Uncertain significance (1 of 4 stars; one submission).

Conditions:
Dyskeratosis congenita. Identifiers: Orphanet 1775, MedGen C0265965, MONDO:0015780.

Allele frequency attached by ClinVar (database versions not stated): gnomAD exomes below 0.00001.

Submission:

Labcorp Genetics (formerly Invitae), Labcorp
Classification: Uncertain significance for Dyskeratosis congenita. Last evaluated: 2022-05-11. Review status: criteria provided, single submitter. Criteria: Invitae Variant Classification Sherloc (09022015). Collection method: clinical testing. Allele origin: germline.
Comment: This sequence change replaces glutamine, which is neutral and polar, with arginine, which is basic and polar, at codon 682 of the CTC1 protein (p.Gln682Arg). This variant is not present in population databases (gnomAD no frequency). This variant has not been reported in the literature in individuals affected with CTC1-related conditions. Algorithms developed to predict the effect of missense changes on protein structure and function are either unavailable or do not agree on the potential impact of this missense change (SIFT: "Deleterious"; PolyPhen-2: "Benign"; Align-GVGD: "Class C0"). In summary, the available evidence is currently insufficient to determine the role of this variant in disease. Therefore, it has been classified as a Variant of Uncertain Significance.